The following is an entry in ClinVar:

ClinVar aggregate classification (germline): Uncertain significance. Review status: criteria provided, multiple submitters, no conflicts (2 of 4 stars). 2 submissions from 2 submitters: Uncertain significance (2). Last evaluated 2023-09-01.

Submissions (2):

Blueprint Genetics
Classification: Uncertain significance. Last evaluated: 2023-09-01. Review status: criteria provided, single submitter. Criteria: ACMG Guidelines, 2015. Collection method: clinical testing. Allele origin: germline.

Labcorp Genetics (formerly Invitae), Labcorp
Classification: Uncertain significance. Last evaluated: 2023-08-16. Review status: criteria provided, single submitter. Criteria: Invitae Variant Classification Sherloc (09022015). Collection method: clinical testing. Allele origin: germline.
Comment: This variant is not present in population databases (gnomAD no frequency). This sequence change replaces proline, which is neutral and non-polar, with glutamine, which is neutral and polar, at codon 435 of the COL4A4 protein (p.Pro435Gln). This variant has not been reported in the literature in individuals affected with COL4A4-related conditions. Advanced modeling of protein sequence and biophysical properties (such as structural, functional, and spatial information, amino acid conservation, physicochemical variation, residue mobility, and thermodynamic stability) performed at Invitae indicates that this missense variant is not expected to disrupt COL4A4 protein function. In summary, the available evidence is currently insufficient to determine the role of this variant in disease. Therefore, it has been classified as a Variant of Uncertain Significance.

NM_000092.5(COL4A4):c.1304C>A (p.Pro435Gln)

Gene: COL4A4 (collagen type IV alpha 4 chain; minus strand). Cytogenetic location: 2q36.3.
Variant type: single nucleotide variant.
Coding change: c.1304C>A on transcript NM_000092.5 (MANE Select); coding-DNA position 1304, C replaced by A.
Protein change: p.Pro435Gln; replaces proline 435 with glutamine.
Molecular consequence: missense variant.
Genome position (GRCh38, 1-based): chr2:227,094,190, G>T on the plus strand (C>A on the coding strand, the complement: COL4A4 is on the minus strand). VCF-style: chr2-227094190-G-T. GRCh37 (hg19) VCF-style: chr2-227958906-G-T.
Other names: short protein forms P435Q.
Identifiers: ClinVar variation 2776704 (VCV002776704.4), dbSNP rs2475251608, ClinGen allele CA350852427.
Genomic context (GRCh38, chr2:227,094,190, plus strand): 5'-GATCCTGGGAGGCCCTGCAGGCCTGGTGCTCCAGGCAAGCCAGGTGATCCTGGCTTCCCT[G>T]GTTTTCCTGGAGCAGAATCAGGTCTCCCAGGAATACCAGCTTCTCCTGGAAGCCCAGGAA-3'
Protein context (NP_000083.3, residues 425-445): PGRPDSAPGK[Pro435Gln]GKPGSPGLPG